The following is an entry in ClinVar:

NM_000477.7(ALB):c.1324G>A (p.Val442Met)

Gene: ALB (albumin; plus strand). Cytogenetic location: 4q13.3.
Variant type: single nucleotide variant.
Coding change: c.1324G>A on transcript NM_000477.7 (MANE Select); coding-DNA position 1324, G replaced by A.
Protein change: p.Val442Met; replaces valine 442 with methionine.
Molecular consequence: missense variant.
Genome position (GRCh38, 1-based): chr4:73,417,565, G>A. VCF-style: chr4-73417565-G-A. GRCh37 (hg19) VCF-style: chr4-74283282-G-A.
Other names: short protein forms V442M.
Identifiers: ClinVar variation 2089553 (VCV002089553.4), dbSNP rs1257438609, ClinGen allele CA357243198.

ClinVar aggregate classification (germline): Uncertain significance (1 of 4 stars; one submission).

Allele frequency attached by ClinVar (database versions not stated): gnomAD exomes below 0.00001.
gnomAD v4.1: 2 of 1,613,864 alleles (0.00012%); highest among the groups gnomAD compares: East Asian, 0.0022%; no homozygotes.

Submission:

Labcorp Genetics (formerly Invitae), Labcorp
Classification: Uncertain significance. Last evaluated: 2022-09-27. Review status: criteria provided, single submitter. Criteria: Invitae Variant Classification Sherloc (09022015). Collection method: clinical testing. Allele origin: germline.
Comment: This sequence change replaces valine, which is neutral and non-polar, with methionine, which is neutral and non-polar, at codon 442 of the ALB protein (p.Val442Met). This variant is present in population databases (no rsID available, gnomAD 0.003%). This variant has not been reported in the literature in individuals affected with ALB-related conditions. Advanced modeling of protein sequence and biophysical properties (such as structural, functional, and spatial information, amino acid conservation, physicochemical variation, residue mobility, and thermodynamic stability) performed at Invitae indicates that this missense variant is not expected to disrupt ALB protein function. In summary, the available evidence is currently insufficient to determine the role of this variant in disease. Therefore, it has been classified as a Variant of Uncertain Significance.